The following is an entry in ClinVar:

NM_002691.4(POLD1):c.2456A>G (p.Asp819Gly)

Gene: POLD1 (DNA polymerase delta 1, catalytic subunit; plus strand). Cytogenetic location: 19q13.33.
Variant type: single nucleotide variant.
Coding change: c.2456A>G on transcript NM_002691.4 (MANE Select); coding-DNA position 2456, A replaced by G.
Protein change: p.Asp819Gly; replaces aspartic acid 819 with glycine.
Molecular consequence: missense variant. On other transcripts: non-coding transcript variant (1).
Genome position (GRCh38, 1-based): chr19:50,414,882, A>G. VCF-style: chr19-50414882-A-G. GRCh37 (hg19) VCF-style: chr19-50918139-A-G.
Other names: c.2456A>G, p.Asp819Gly (NM_001256849.1); c.2534A>G, p.Asp845Gly (NM_001308632.1); short protein forms D819G, D845G.
Identifiers: ClinVar variation 2761034 (VCV002761034.3), dbSNP rs1601241057, ClinGen allele CA406984787.

ClinVar aggregate classification (germline): Uncertain significance (1 of 4 stars; one submission).

Conditions:
POLD1-related polyposis and colorectal cancer syndrome (CRCS10). Also called: Colorectal cancer 10; Colorectal cancer, susceptibility to, 10; COLORECTAL CANCER, SUSCEPTIBILITY TO, ON CHROMOSOME 19q. Identifiers: Orphanet 220460, MedGen C2675481, MONDO:0012953, OMIM 612591.

Submission:

Labcorp Genetics (formerly Invitae), Labcorp
Classification: Uncertain significance for POLD1-related polyposis and colorectal cancer syndrome. Last evaluated: 2023-09-17. Review status: criteria provided, single submitter. Criteria: Invitae Variant Classification Sherloc (09022015). Collection method: clinical testing. Allele origin: germline.
Comment: In summary, the available evidence is currently insufficient to determine the role of this variant in disease. Therefore, it has been classified as a Variant of Uncertain Significance. Advanced modeling of protein sequence and biophysical properties (such as structural, functional, and spatial information, amino acid conservation, physicochemical variation, residue mobility, and thermodynamic stability) performed at Invitae indicates that this missense variant is not expected to disrupt POLD1 protein function. This variant has not been reported in the literature in individuals affected with POLD1-related conditions. This variant is not present in population databases (gnomAD no frequency). This sequence change replaces aspartic acid, which is acidic and polar, with glycine, which is neutral and non-polar, at codon 819 of the POLD1 protein (p.Asp819Gly).